The following is an entry in ClinVar:

NM_020975.6(RET):c.1811C>T (p.Ala604Val)

Gene: RET (ret proto-oncogene; plus strand). Cytogenetic location: 10q11.21.
Variant type: single nucleotide variant.
Coding change: c.1811C>T on transcript NM_020975.6 (MANE Select); coding-DNA position 1811, C replaced by T.
Protein change: p.Ala604Val; replaces alanine 604 with valine.
Molecular consequence: missense variant.
Genome position (GRCh38, 1-based): chr10:43,113,607, C>T. VCF-style: chr10-43113607-C-T. GRCh37 (hg19) VCF-style: chr10-43609055-C-T.
Other names: c.1373C>T, p.Ala458Val (NM_001406771.1, NM_001406773.1); c.1415C>T, p.Ala472Val (NM_001406772.1, NM_001406769.1); c.1286C>T, p.Ala429Val (NM_001406774.1); c.1085C>T, p.Ala362Val (NM_001406775.1, NM_001406776.1, NM_001406777.1 and 1 more transcripts); c.914C>T, p.Ala305Val (NM_001406779.1, NM_001406780.1, NM_001406781.1 and 2 more transcripts); c.1811C>T, p.Ala604Val (NM_000323.2, NM_001406743.1, NM_001406744.1 and 6 more transcripts); c.1049C>T, p.Ala350Val (NM_001355216.2); c.1682C>T, p.Ala561Val (NM_001406761.1, NM_001406762.1, NM_001406764.1 and 1 more transcripts); and 5 more; short protein forms A350V, A604V, A305V, A362V, A458V, A561V, A274V, A472V.
Identifiers: ClinVar variation 862826 (VCV000862826.11), dbSNP rs1286776938, ClinGen allele CA376552721.

ClinVar aggregate classification (germline): Uncertain significance. Review status: criteria provided, multiple submitters, no conflicts (2 of 4 stars). 4 submissions from 4 submitters: Uncertain significance (4). Last evaluated 2024-03-15.

Conditions:
RET-related disorder. Also called: RET-related condition; RET-related disease; RET-related disorders.
Multiple endocrine neoplasia, type 2 (MEN2). Identifiers: Orphanet 653, MedGen C4048306, MONDO:0019003. Disease mechanism: gain of function.
Hirschsprung disease, susceptibility to, 1 (HSCR1). Also called: RET-Related Hirschsprung Disease. Identifiers: Orphanet 388, MedGen C3888239, MONDO:0007723, OMIM 142623.
Pheochromocytoma. Also called: MAX-Related Hereditary Paraganglioma-Pheochromocytoma Syndrome. Identifiers: Orphanet 29072, MedGen C0031511, MONDO:0008233, OMIM 171300, HP:0002666.
Multiple endocrine neoplasia type 2A. Also called: MULTIPLE ENDOCRINE NEOPLASIA, TYPE IIA; PTC SYNDROME; SIPPLE SYNDROME; MEN 2A; MEN-2A syndrome; Pheochromocytoma and amyloid producing medullary thyroid carcinoma. Identifiers: Orphanet 247698, Orphanet 653, MedGen C0025268, MeSH D018813, MONDO:0008234, OMIM 171400.
Familial medullary thyroid carcinoma (MTC). Also called: Thyroid cancer, familial medullary; MTC, familial; Familial Medullary Thyroid Carcinoma (FMTC). Identifiers: Orphanet 653, Orphanet 99361, MedGen C1833921, MONDO:0007958, OMIM 155240.
Multiple endocrine neoplasia type 2B. Also called: MEN 2B; Multiple endocrine neoplasia, type 3; MUCOSAL NEUROMA SYNDROME; MEN IIB; NEUROMATA, MUCOSAL, WITH ENDOCRINE TUMORS; WAGENMANN-FROBOESE SYNDROME. Identifiers: Orphanet 247709, Orphanet 653, MedGen C0025269, MeSH D018814, MONDO:0008082, OMIM 162300.
Hereditary cancer-predisposing syndrome. Also called: Neoplastic Syndromes, Hereditary; Tumor predisposition; Hereditary Cancer Syndrome; Hereditary neoplastic syndrome. Identifiers: Orphanet 140162, MedGen C0027672, MeSH D009386, MONDO:0015356.

Allele frequency attached by ClinVar (database versions not stated): gnomAD exomes below 0.00001; TOPMed below 0.00001; gnomAD 0.00001.
gnomAD v4.1: 2 of 1,612,604 alleles (0.00012%); highest among the groups gnomAD compares: Admixed American, 0.0017%; no homozygotes.

Submissions (4):

Ambry Genetics
Classification: Uncertain significance for Hereditary cancer-predisposing syndrome. Last evaluated: 2024-03-15. Review status: criteria provided, single submitter. Criteria: Ambry Variant Classification Scheme 2023. Collection method: clinical testing. Allele origin: germline.
Comment: The p.A604V variant (also known as c.1811C>T), located in coding exon 10 of the RET gene, results from a C to T substitution at nucleotide position 1811. The alanine at codon 604 is replaced by valine, an amino acid with similar properties. This amino acid position is conserved. In addition, this alteration is predicted to be deleterious by in silico analysis. Based on the available evidence, the clinical significance of this alteration remains unclear.

Labcorp Genetics (formerly Invitae), Labcorp
Classification: Uncertain significance for Multiple endocrine neoplasia, type 2. Last evaluated: 2023-05-10. Review status: criteria provided, single submitter. Criteria: Invitae Variant Classification Sherloc (09022015). Collection method: clinical testing. Allele origin: germline.
Comment: This sequence change replaces alanine, which is neutral and non-polar, with valine, which is neutral and non-polar, at codon 604 of the RET protein (p.Ala604Val). This variant is not present in population databases (gnomAD no frequency). In summary, the available evidence is currently insufficient to determine the role of this variant in disease. Therefore, it has been classified as a Variant of Uncertain Significance. An algorithm developed to predict the effect of missense changes on protein structure and function (PolyPhen-2) suggests that this variant¬† is likely to be tolerated. ClinVar contains an entry for this variant (Variation ID: 862826). This variant has not been reported in the literature in individuals affected with RET-related conditions.

PreventionGenetics, part of Exact Sciences
Classification: Uncertain significance for RET-related condition. Last evaluated: 2023-03-09. Review status: criteria provided, single submitter. Criteria: ACMG Guidelines, 2015. Collection method: clinical testing. Allele origin: germline.
Comment: The RET c.1811C>T variant is predicted to result in the amino acid substitution p.Ala604Val. To our knowledge, this variant has not been reported in the literature or in a large population database, indicating this variant is rare. It is interpreted as uncertain significance in ClinVar. At this time, the clinical significance of this variant is uncertain due to the absence of conclusive functional and genetic evidence.

Fulgent Genetics
Classification: Uncertain significance for Hirschsprung disease, susceptibility to, 1; Familial medullary thyroid carcinoma; Multiple endocrine neoplasia type 2B; Pheochromocytoma; Multiple endocrine neoplasia type 2A. Last evaluated: 2021-12-29. Review status: criteria provided, single submitter. Criteria: ACMG Guidelines, 2015. Collection method: clinical testing. Allele origin: unknown.